The following is an entry in ClinVar:

ClinVar aggregate classification (germline): Uncertain significance (1 of 4 stars; one submission).

Submission:

Labcorp Genetics (formerly Invitae), Labcorp
Classification: Uncertain significance. Last evaluated: 2021-05-03. Review status: criteria provided, single submitter. Criteria: Invitae Variant Classification Sherloc (09022015). Collection method: clinical testing. Allele origin: germline.
Comment: In summary, the available evidence is currently insufficient to determine the role of this variant in disease. Therefore, it has been classified as a Variant of Uncertain Significance. Advanced modeling of protein sequence and biophysical properties (such as structural, functional, and spatial information, amino acid conservation, physicochemical variation, residue mobility, and thermodynamic stability) performed at Invitae indicates that this missense variant is expected to disrupt MTOR protein function. This variant has not been reported in the literature in individuals with MTOR-related conditions. This variant is not present in population databases (ExAC no frequency). This sequence change replaces proline with leucine at codon 995 of the MTOR protein (p.Pro995Leu). The proline residue is highly conserved and there is a moderate physicochemical difference between proline and leucine.

NM_004958.4(MTOR):c.2984C>T (p.Pro995Leu)

Gene: MTOR (mechanistic target of rapamycin kinase; minus strand). Cytogenetic location: 1p36.22.
Variant type: single nucleotide variant.
Coding change: c.2984C>T on transcript NM_004958.4 (MANE Select); coding-DNA position 2984, C replaced by T.
Protein change: p.Pro995Leu; replaces proline 995 with leucine.
Molecular consequence: missense variant.
Genome position (GRCh38, 1-based): chr1:11,228,714, G>A on the plus strand (C>T on the coding strand, the complement: MTOR is on the minus strand). VCF-style: chr1-11228714-G-A. GRCh37 (hg19) VCF-style: chr1-11288771-G-A.
Other names: c.2984C>T, p.Pro995Leu (NM_001386500.1); c.1736C>T, p.Pro579Leu (NM_001386501.1); short protein forms P995L, P579L.
Identifiers: ClinVar variation 1348752 (VCV001348752.8), dbSNP rs2100854706, ClinGen allele CA338378788.
Genomic context (GRCh38, chr1:11,228,714, plus strand): 5'-TTTGAGGTACTTACTTCCCGGATGGCCCCATCACAGACTCGAATGACGTTAAGGAACGTG[G>A]GCATGACCTGGGGCAGGAACTGCACACATTTGAGTCCCAGGGACTTGAAGATGAAGGTGA-3'
Protein context (NP_004949.1, residues 985-1005): KCVQFLPQVM[Pro995Leu]TFLNVIRVCD